The following is an entry in ClinVar:

NM_004260.4(RECQL4):c.199G>A (p.Ala67Thr)

Gene: RECQL4 (RecQ like helicase 4; minus strand). Cytogenetic location: 8q24.3.
Variant type: single nucleotide variant.
Coding change: c.199G>A on transcript NM_004260.4 (MANE Select); coding-DNA position 199, G replaced by A.
Protein change: p.Ala67Thr; replaces alanine 67 with threonine.
Molecular consequence: missense variant.
Genome position (GRCh38, 1-based): chr8:144,517,428, C>T on the plus strand (G>A on the coding strand, the complement: RECQL4 is on the minus strand). VCF-style: chr8-144517428-C-T. GRCh37 (hg19) VCF-style: chr8-145742812-C-T.
Other names: c.199G>A (NM_004260.3); short protein forms A67T.
Identifiers: ClinVar variation 1062660 (VCV001062660.6), dbSNP rs1815343882, ClinGen allele CA372692520.

ClinVar aggregate classification (germline): Uncertain significance. Review status: criteria provided, multiple submitters, no conflicts (2 of 4 stars). 2 submissions from 2 submitters: Uncertain significance (2). Last evaluated 2026-03-16.

Conditions:
Baller-Gerold syndrome (BGS). Also called: CRANIOSYNOSTOSIS WITH RADIAL DEFECTS. Identifiers: Orphanet 1225, MedGen C0265308, MONDO:0009039, OMIM 218600.
Inborn genetic diseases. Identifiers: MedGen C0950123, MeSH D030342.

Submissions (2):

Ambry Genetics
Classification: Uncertain significance for Inborn genetic diseases. Last evaluated: 2026-03-16. Review status: criteria provided, single submitter. Criteria: Ambry Variant Classification Scheme 2023. Collection method: clinical testing. Allele origin: germline.
Comment: The p.A67T variant (also known as c.199G>A), located in coding exon 3 of the RECQL4 gene, results from a G to A substitution at nucleotide position 199. The alanine at codon 67 is replaced by threonine, an amino acid with similar properties. This amino acid position is conserved. In addition, this alteration is predicted to be tolerated by in silico analysis. Based on the available evidence, the clinical significance of this variant remains unclear.

Labcorp Genetics (formerly Invitae), Labcorp
Classification: Uncertain significance for Baller-Gerold syndrome. Last evaluated: 2025-08-18. Review status: criteria provided, single submitter. Criteria: Invitae Variant Classification Sherloc (09022015). Collection method: clinical testing. Allele origin: germline.
Comment: This sequence change replaces alanine, which is neutral and non-polar, with threonine, which is neutral and polar, at codon 67 of the RECQL4 protein (p.Ala67Thr). This variant is not present in population databases (gnomAD no frequency). This variant has not been reported in the literature in individuals affected with RECQL4-related conditions. ClinVar contains an entry for this variant (Variation ID: 1062660). Experimental studies and prediction algorithms are not available or were not evaluated, and the functional significance of this variant is currently unknown. In summary, the available evidence is currently insufficient to determine the role of this variant in disease. Therefore, it has been classified as a Variant of Uncertain Significance.